The following is an entry in ClinVar:

NM_000059.4(BRCA2):c.5842del (p.Cys1948fs)

Gene: BRCA2 (BRCA2 DNA repair associated; plus strand). Cytogenetic location: 13q13.1.
Variant type: Deletion.
Coding change: c.5842del on transcript NM_000059.4 (MANE Select); coding-DNA position 5842, one base deleted (T; older notation c.5842delT).
Protein change: p.Cys1948fs; shifts the reading frame from cysteine 1948.
Molecular consequence: frameshift variant.
Genome position (GRCh38, 1-based): chr13:32,340,197, T deleted; the last of 2 consecutive T bases (chr13:32,340,196-32,340,197); deleting either gives the same sequence. VCF-style (leftmost placement, unchanged base first): chr13-32340195-CT-C. GRCh37 (hg19) VCF-style: chr13-32914332-CT-C.
Other names: 6070delT; c.5842delT (NM_000059.3); c.5842del (NM_000059.3); short protein forms C1948fs.
Identifiers: ClinVar variation 91426 (VCV000091426.16), dbSNP rs398122541, ClinGen allele CA023291.

ClinVar aggregate classification (germline): Pathogenic. Review status: reviewed by expert panel (3 of 4 stars). 5 submissions from 5 submitters: Pathogenic (1). 4 of the submissions do not count toward it. Last evaluated 2016-09-08.

Conditions:
Breast-ovarian cancer, familial, susceptibility to, 2 (BROVCA2). Also called: BRCA2 Hereditary Breast and Ovarian Cancer. Identifiers: Orphanet 145, MedGen C2675520, MONDO:0012933, OMIM 612555. Disease mechanism: loss of function.
Hereditary cancer-predisposing syndrome. Also called: Hereditary neoplastic syndrome; Hereditary Cancer Syndrome; Neoplastic Syndromes, Hereditary; Tumor predisposition. Identifiers: Orphanet 140162, MedGen C0027672, MeSH D009386, MONDO:0015356.
Hereditary breast ovarian cancer syndrome. Also called: Hereditary breast and ovarian cancer syndrome; Breast and ovarian cancer; BRCA1- and BRCA2-Associated Hereditary Breast and Ovarian Cancer; Hereditary breast and ovarian cancer syndrome (HBOC); Hereditary breast and ovarian cancer; Hereditary breast and/or ovarian cancer syndrome. Identifiers: Orphanet 145, MedGen C0677776, MeSH D061325, MONDO:0003582. Disease mechanism: loss of function.
Fanconi anemia complementation group D1. Also called: BRCA2-Related Fanconi Anemia. Identifiers: Orphanet 319462, MedGen C1838457, MONDO:0011584, OMIM 605724.
Familial cancer of breast. Also called: BREAST CANCER, FAMILIAL; hereditary breast carcinoma; Hereditary breast cancer. Identifiers: Orphanet 227535, MedGen C0346153, MONDO:0016419, OMIM 114480. Disease mechanism: loss of function.
Medulloblastoma (MDB). Also called: Medulloblastoma, somatic; MEDULLOBLASTOMA PREDISPOSITION SYNDROME. Identifiers: Orphanet 616, MedGen C0025149, MeSH D008527, MONDO:0007959, OMIM 155255, HP:0002885.
Pancreatic cancer, susceptibility to, 2. Identifiers: Orphanet 1333, MedGen C3150546, MONDO:0013235, OMIM 613347.
Glioma susceptibility 3 (GLM3). Also called: Glioblastoma 3. Identifiers: Orphanet 182067, Orphanet 360, MedGen C2751641, MONDO:0013093, OMIM 613029.
Familial prostate cancer. Also called: Hereditary Prostate Cancer. Identifiers: MedGen C2931456, MONDO:0700275, OMIM 176807.
Wilms tumor 1 (WT1). Also called: Wilms tumor, somatic. Identifiers: Orphanet 654, MedGen CN033288, MONDO:0008679, OMIM 194070.

Submissions (5):

Evidence-based Network for the Interpretation of Germline Mutant Alleles (ENIGMA)
Classification: Pathogenic for Breast-ovarian cancer, familial, susceptibility to, 2. Last evaluated: 2016-09-08. Review status: reviewed by expert panel. Criteria: ENIGMA BRCA1/2 Classification Criteria (2015). Collection method: curation. Allele origin: germline.
Comment: Variant allele predicted to encode a truncated non-functional protein.

Ambry Genetics
Classification: Pathogenic for Hereditary cancer-predisposing syndrome. Last evaluated: 2022-10-25. Review status: criteria provided, single submitter. Criteria: Ambry Variant Classification Scheme 2023. Collection method: clinical testing. Allele origin: germline. Not counted in ClinVar's aggregate classification.
Comment: The c.5842delT pathogenic mutation, located in coding exon 10 of the BRCA2 gene, results from a deletion of one nucleotide at nucleotide position 5842, causing a translational frameshift with a predicted alternate stop codon (p.C1948Vfs*15). This alteration is expected to result in loss of function by premature protein truncation or nonsense-mediated mRNA decay. As such, this alteration is interpreted as a disease-causing mutation.

Department of Pathology and Laboratory Medicine, Sinai Health System
Classification: Pathogenic for Familial cancer of breast; Medulloblastoma; Familial prostate cancer; Wilms tumor 1; Fanconi anemia complementation group D1; Breast-ovarian cancer, familial, susceptibility to, 2; Glioma susceptibility 3; Pancreatic cancer, susceptibility to, 2. Last evaluated: 2020-10-06. Review status: criteria provided, single submitter. Criteria: ACMG Guidelines, 2015. Collection method: clinical testing. Allele origin: germline. Not counted in ClinVar's aggregate classification.

Labcorp Genetics (formerly Invitae), Labcorp
Classification: Pathogenic for Hereditary breast ovarian cancer syndrome. Last evaluated: 2018-09-25. Review status: criteria provided, single submitter. Criteria: Invitae Variant Classification Sherloc (09022015). Collection method: clinical testing. Allele origin: germline. Not counted in ClinVar's aggregate classification.
Comment: This sequence change creates a premature translational stop signal (p.Cys1948Valfs*15) in the BRCA2 gene. It is expected to result in an absent or disrupted protein product. This variant is not present in population databases (ExAC no frequency). This variant has been reported in individuals in the Leiden Open-source Variation Database (PMID: 21520333). ClinVar contains an entry for this variant (Variation ID: 91426). Loss-of-function variants in BRCA2 are known to be pathogenic (PMID: 20104584). For these reasons, this variant has been classified as Pathogenic.

Sharing Clinical Reports Project (SCRP)
Classification: Pathogenic for Breast-ovarian cancer, familial 2. Last evaluated: 2007-08-27. Review status: no assertion criteria provided. Collection method: clinical testing. Allele origin: germline. Not counted in ClinVar's aggregate classification.

Literature cited by the submitters: PubMed 21520333 (cited by Labcorp Genetics (formerly Invitae), Labcorp); PubMed 20104584 (cited by Labcorp Genetics (formerly Invitae), Labcorp).